The following is an entry in ClinVar:

NM_006118.4(HAX1):c.500A>T (p.His167Leu)

Gene: HAX1 (HCLS1 associated protein X-1; plus strand). Cytogenetic location: 1q21.3.
Variant type: single nucleotide variant.
Coding change: c.500A>T on transcript NM_006118.4 (MANE Select); coding-DNA position 500, A replaced by T.
Protein change: p.His167Leu; replaces histidine 167 with leucine.
Molecular consequence: missense variant.
Genome position (GRCh38, 1-based): chr1:154,273,957, A>T. VCF-style: chr1-154273957-A-T. GRCh37 (hg19) VCF-style: chr1-154246433-A-T.
Other names: c.356A>T, p.His119Leu (NM_001018837.2); short protein forms H119L, H167L.
Identifiers: ClinVar variation 4033875 (VCV004033875.1).

ClinVar aggregate classification (germline): Uncertain significance (1 of 4 stars; one submission).

Conditions:
Inborn genetic diseases. Identifiers: MedGen C0950123, MeSH D030342.

Submission:

Ambry Genetics
Classification: Uncertain significance for Inborn genetic diseases. Last evaluated: 2025-06-14. Review status: criteria provided, single submitter. Criteria: Ambry Variant Classification Scheme 2023. Collection method: clinical testing. Allele origin: germline.
Comment: The p.H167L variant (also known as c.500A>T), located in coding exon 3 of the HAX1 gene, results from an A to T substitution at nucleotide position 500. The histidine at codon 167 is replaced by leucine, an amino acid with similar properties. This amino acid position is conserved. In addition, this alteration is predicted to be tolerated by in silico analysis. Based on the available evidence, the clinical significance of this variant remains unclear.